The following is an entry in ClinVar:

NM_001289104.2(PRKCSH):c.142T>G (p.Phe48Val)

Gene: PRKCSH (PRKCSH beta subunit of glucosidase II; plus strand). Cytogenetic location: 19p13.2.
Variant type: single nucleotide variant.
Coding change: c.142T>G on transcript NM_001289104.2 (MANE Select); coding-DNA position 142, T replaced by G.
Protein change: p.Phe48Val; replaces phenylalanine 48 with valine.
Molecular consequence: missense variant.
Genome position (GRCh38, 1-based): chr19:11,436,451, T>G. VCF-style: chr19-11436451-T-G. GRCh37 (hg19) VCF-style: chr19-11547272-T-G.
Other names: c.142T>G, p.Phe48Val (NM_001001329.3, NM_001289102.2, NM_001289103.2 and 3 more transcripts); short protein forms F48V.
Identifiers: ClinVar variation 4714065 (VCV004714065.1).

ClinVar aggregate classification (germline): Uncertain significance (1 of 4 stars; one submission).

Submission:

Labcorp Genetics (formerly Invitae), Labcorp
Classification: Uncertain significance. Last evaluated: 2025-02-27. Review status: criteria provided, single submitter. Criteria: Invitae Variant Classification Sherloc (09022015). Collection method: clinical testing. Allele origin: germline.
Comment: This sequence change replaces phenylalanine, which is neutral and non-polar, with valine, which is neutral and non-polar, at codon 48 of the PRKCSH protein (p.Phe48Val). This variant is not present in population databases (gnomAD no frequency). This variant has not been reported in the literature in individuals affected with PRKCSH-related conditions. An algorithm developed to predict the effect of missense changes on protein structure and function (PolyPhen-2) suggests that this variant is likely to be disruptive. In summary, the available evidence is currently insufficient to determine the role of this variant in disease. Therefore, it has been classified as a Variant of Uncertain Significance.